The following is an entry in ClinVar:

ClinVar aggregate classification (germline): Benign. Review status: criteria provided, multiple submitters, no conflicts (2 of 4 stars). 9 submissions from 9 submitters: Benign (5). 4 of the submissions do not count toward it. Last evaluated 2026-08-01.

Conditions:
FAT4-related disorder. Also called: FAT4-related condition.

Allele frequency attached by ClinVar (database versions not stated): 1000 Genomes Project 30x 0.00234; 1000 Genomes Project 0.00240; TOPMed 0.00726; ExAC 0.00730; gnomAD exomes 0.00730 and 0.01134; gnomAD 0.00764 and 0.00802; ESP Exome Variant Server 0.00861.
gnomAD v4.1: 17,579 of 1,613,226 alleles (1.1%); highest among the groups gnomAD compares: Non-Finnish European, 1.3%; 113 homozygotes.

Submissions (9):

CeGaT Center for Human Genetics Tuebingen
Classification: Benign. Last evaluated: 2026-08-01. Review status: criteria provided, single submitter. Criteria: CeGaT Center For Human Genetics Tuebingen Variant Classification Criteria Version 2. Collection method: clinical testing. Allele origin: germline. Affected: yes. Observed: 24 variant alleles.
Comment: FAT4: BP4, BP7, BS1, BS2

Labcorp Genetics (formerly Invitae), Labcorp
Classification: Benign. Last evaluated: 2026-02-01. Review status: criteria provided, single submitter. Criteria: Invitae Variant Classification Sherloc (09022015). Collection method: clinical testing. Allele origin: germline.

ARUP Laboratories, Molecular Genetics and Genomics, ARUP Laboratories
Classification: Benign. Last evaluated: 2025-06-12. Review status: criteria provided, single submitter. Criteria: ARUP Molecular Germline Variant Investigation Process 2024. Collection method: clinical testing. Allele origin: germline.

GeneDx
Classification: Benign. Last evaluated: 2016-02-18. Review status: criteria provided, single submitter. Criteria: GeneDx Variant Classification (06012015). Collection method: clinical testing. Allele origin: germline. Affected: yes.
Comment: This variant is considered likely benign or benign based on one or more of the following criteria: it is a conservative change, it occurs at a poorly conserved position in the protein, it is predicted to be benign by multiple in silico algorithms, and/or has population frequency not consistent with disease.

Breakthrough Genomics
Classification: Benign. Review status: criteria provided, single submitter. Criteria: ACMG Guidelines, 2015. Collection method: not provided. Allele origin: germline. Inheritance: Autosomal recessive inheritance. Affected: yes.

PreventionGenetics, part of Exact Sciences
Classification: Benign for FAT4-related condition. Last evaluated: 2019-03-07. Review status: no assertion criteria provided. Collection method: clinical testing. Allele origin: germline. Not counted in ClinVar's aggregate classification.
Comment: This variant is classified as benign based on ACMG/AMP sequence variant interpretation guidelines (Richards et al. 2015 PMID: 25741868, with internal and published modifications).

Clinical Genetics DNA and cytogenetics Diagnostics Lab, Erasmus MC, Erasmus Medical Center
Classification: Likely benign. Review status: no assertion criteria provided. Collection method: clinical testing. Allele origin: germline. Affected: yes. Study: VKGL Data-share Consensus. Not counted in ClinVar's aggregate classification.

Clinical Genetics, Academic Medical Center
Classification: Benign. Review status: no assertion criteria provided. Collection method: clinical testing. Allele origin: germline. Affected: yes. Study: VKGL Data-share Consensus. Not counted in ClinVar's aggregate classification.

Genome Diagnostics Laboratory, University Medical Center Utrecht
Classification: Likely benign. Review status: no assertion criteria provided. Collection method: clinical testing. Allele origin: germline. Affected: yes. Study: VKGL Data-share Consensus. Not counted in ClinVar's aggregate classification.

NM_001291303.3(FAT4):c.8544C>T (p.Ser2848=)

Gene: FAT4 (FAT atypical cadherin 4; plus strand). Cytogenetic location: 4q28.1.
Variant type: single nucleotide variant.
Coding change: c.8544C>T on transcript NM_001291303.3 (MANE Select); coding-DNA position 8544, C replaced by T.
Protein change: p.Ser2848=; no amino-acid change (serine 2848 retained).
Molecular consequence: synonymous variant.
Genome position (GRCh38, 1-based): chr4:125,449,554, C>T. VCF-style: chr4-125449554-C-T. GRCh37 (hg19) VCF-style: chr4-126370709-C-T.
Other names: c.8544C>T, p.Ser2848= (NM_001291285.3); c.8538C>T, p.Ser2846= (NM_024582.6).
Identifiers: ClinVar variation 383607 (VCV000383607.54), dbSNP rs139132509, ClinGen allele CA3073392.
Genomic context (GRCh38, chr4:125,449,554, plus strand): 5'-TATTGTCATAAGCAGACCTTTAAATAGGGAAGATACAGACCGTTACAGAATTCGAGTTTC[C>T]GCACATGATTCTGGGTGGACTGTAAGTACAGATGTCACAATATTTGTGACAGACATCAAT-3'
Protein context (NP_001278232.1, residues 2838-2858): EDTDRYRIRV[Ser2848=]AHDSGWTVST